The following is an entry in ClinVar:

ClinVar aggregate classification (germline): Pathogenic (1 of 4 stars; one submission).

Conditions:
Tooth agenesis, selective, 3 (STHAG3). Also called: HYPODONTIA/OLIGODONTIA 3. Identifiers: Orphanet 99798, MedGen C1970291, MONDO:0011477, OMIM 604625. Disease mechanism: loss of function.

Submission:

Center of Excellence in Precision Medicine and Digital Health (CEPMDH), Faculty of Dentistry, Chulalongkorn University
Classification: Pathogenic for Tooth agenesis, selective, 3. Last evaluated: 2025-12-01. Review status: criteria provided, single submitter. Criteria: ACMG Guidelines, 2015. Collection method: research. Allele origin: germline. Inheritance: Autosomal dominant inheritance. Affected: yes. Observed: 3 variant alleles. Clinical features observed: Oligodontia (HP:0000677).
Comment: A novel heterozygous pathogenic frameshift variant in the PAX9 gene (NM_006194.4: c.532_592dup; p.Val198Glyfs*139) was identified in a Thai family. The variant is classified as pathogenic according to the ACMG criteria (PVS1 PM1 PM2 PP3).

NM_001372076.1(PAX9):c.532_592dup (p.Val198fs)

Gene: PAX9 (paired box 9; plus strand). Cytogenetic location: 14q13.3.
Variant type: Duplication.
Coding change: c.532_592dup on transcript NM_001372076.1 (MANE Select); coding-DNA positions 532 to 592, 61 bases duplicated.
Protein change: p.Val198fs; shifts the reading frame from valine 198.
Molecular consequence: frameshift variant.
Genome position (GRCh38, 1-based): chr14:36,663,424-36,663,484, 61 bases duplicated. GRCh37 (hg19): chr14:37,132,629-37,132,689.
Other names: c.532_592dup, p.Val198fs (NM_006194.4); short protein forms V198fs.
Identifiers: ClinVar variation 4974538 (VCV004974538.1).